The following is an entry in ClinVar:

ClinVar aggregate classification (germline): Uncertain significance (1 of 4 stars; one submission).

Conditions:
Noonan syndrome 9 (NS9). Identifiers: Orphanet 648, MedGen C4225282, MONDO:0014691, OMIM 616559.

Submission:

Labcorp Genetics (formerly Invitae), Labcorp
Classification: Uncertain significance for Noonan syndrome 9. Last evaluated: 2022-03-11. Review status: criteria provided, single submitter. Criteria: Invitae Variant Classification Sherloc (09022015). Collection method: clinical testing. Allele origin: germline.
Comment: In summary, the available evidence is currently insufficient to determine the role of this variant in disease. Therefore, it has been classified as a Variant of Uncertain Significance. Experimental studies and prediction algorithms are not available or were not evaluated, and the functional significance of this variant is currently unknown. This variant has not been reported in the literature in individuals affected with SOS2-related conditions. This variant results in a copy number gain of the genomic region encompassing exon(s) 5 of the SOS2 gene. While the exact position of this variant cannot be determined from the data, sub-genic copy number gains are generally in tandem (PMID: 25640679). This variant is predicted to be in-frame, and likely preserves the integrity of the reading frame.

Literature cited by the submitters: PubMed 25640679.

NC_000014.8:g.(?_50655195)_(50655438_?)dup

Gene: SOS2 (SOS Ras/Rho guanine nucleotide exchange factor 2; minus strand). Cytogenetic location: 14q21.3.
Variant type: Duplication.
Identifiers: ClinVar variation 2425672 (VCV002425672.4).